The following is an entry in ClinVar:

ClinVar aggregate classification (germline): Benign/Likely benign. Review status: criteria provided, multiple submitters, no conflicts (2 of 4 stars). 4 submissions from 4 submitters: Benign (1); Likely benign (2). 1 of the submissions does not count toward it. Last evaluated 2026-06-01.

Conditions:
HDAC4-related disorder. Also called: HDAC4-related condition.

Allele frequency attached by ClinVar (database versions not stated): ESP Exome Variant Server 0.00108; gnomAD 0.00123 and 0.00146; TOPMed 0.00166; ExAC 0.00170; gnomAD exomes 0.00194; 1000 Genomes Project 0.00459; 1000 Genomes Project 30x 0.00500.
gnomAD v4.1: 1,705 of 1,613,938 alleles (0.11%); highest among the groups gnomAD compares: East Asian, 1.4%; 9 homozygotes.

Submissions (4):

CeGaT Center for Human Genetics Tuebingen
Classification: Likely benign. Last evaluated: 2026-06-01. Review status: criteria provided, single submitter. Criteria: CeGaT Center For Human Genetics Tuebingen Variant Classification Criteria Version 2. Collection method: clinical testing. Allele origin: germline. Affected: yes. Observed: 1 variant allele.
Comment: HDAC4: BP4, BP7, BS1

Labcorp Genetics (formerly Invitae), Labcorp
Classification: Benign. Last evaluated: 2026-01-15. Review status: criteria provided, single submitter. Criteria: Invitae Variant Classification Sherloc (09022015). Collection method: clinical testing. Allele origin: germline.

Blueprint Genetics
Classification: Likely benign. Last evaluated: 2024-11-20. Review status: criteria provided, single submitter. Criteria: ACMG Guidelines, 2015. Collection method: clinical testing. Allele origin: germline.

PreventionGenetics, part of Exact Sciences
Classification: Benign for HDAC4-related condition. Last evaluated: 2019-06-26. Review status: no assertion criteria provided. Collection method: clinical testing. Allele origin: germline. Not counted in ClinVar's aggregate classification.
Comment: This variant is classified as benign based on ACMG/AMP sequence variant interpretation guidelines (Richards et al. 2015 PMID: 25741868, with internal and published modifications).

NM_001378414.1(HDAC4):c.1200G>A (p.Ser400=)

Gene: HDAC4 (histone deacetylase 4; minus strand). Cytogenetic location: 2q37.3.
Variant type: single nucleotide variant.
Coding change: c.1200G>A on transcript NM_001378414.1 (MANE Select); coding-DNA position 1200, G replaced by A.
Protein change: p.Ser400=; no amino-acid change (serine 400 retained).
Molecular consequence: synonymous variant.
Genome position (GRCh38, 1-based): chr2:239,134,339, C>T on the plus strand (G>A on the coding strand, the complement: HDAC4 is on the minus strand). VCF-style: chr2-239134339-C-T. GRCh37 (hg19) VCF-style: chr2-240056035-C-T.
Other names: c.1200G>A, p.Ser400= (NM_001378415.1, NM_001378416.1, NM_001378417.1 and 1 more transcripts).
Identifiers: ClinVar variation 701809 (VCV000701809.14), dbSNP rs149580896, ClinGen allele CA2199883.
Genomic context (GRCh38, chr2:239,134,339, plus strand): 5'-CAGTAAGACCATGTGCTGCAGAAGAGGGCTGTGCGCTGCCCCTCCGTCCCGCTCCAAGGG[C>T]GAGGTGCTCAGGTAGGGAGTGAGGTGGGTGCCGGGGAAAAGGGAGAGCCTCTGCTGGAGG-3'
Protein context (NP_001365343.1, residues 390-410): GTHLTPYLST[Ser400=]PLERDGGAAH